The following is an entry in ClinVar:

NM_001282874.2(SMARCA1):c.1738G>A (p.Gly580Arg)

Gene: SMARCA1 (SNF2 related chromatin remodeling ATPase 1; minus strand). Cytogenetic location: Xq25.
Variant type: single nucleotide variant.
Coding change: c.1738G>A on transcript NM_001282874.2 (MANE Select); coding-DNA position 1738, G replaced by A.
Protein change: p.Gly580Arg; replaces glycine 580 with arginine.
Molecular consequence: missense variant.
Genome position (GRCh38, 1-based): chrX:129,492,018, C>T on the plus strand (G>A on the coding strand, the complement: SMARCA1 is on the minus strand). VCF-style: chrX-129492018-C-T. GRCh37 (hg19) VCF-style: chrX-128625995-C-T.
Other names: c.1702G>A, p.Gly568Arg (NM_001282875.2, NM_001378262.1, NM_001378263.1 and 1 more transcripts); c.1738G>A, p.Gly580Arg (NM_001378261.1, NM_003069.5); short protein forms G568R, G580R.
Identifiers: ClinVar variation 3765890 (VCV003765890.1).

ClinVar aggregate classification (germline): Uncertain significance (1 of 4 stars; one submission).

Conditions:
SMARCA1-related disorder. Also called: SMARCA1-related condition.

Submission:

Institute of Human Genetics, University of Goettingen
Classification: Uncertain significance for SMARCA1-related disorder. Last evaluated: 2025-02-17. Review status: criteria provided, single submitter. Criteria: ACMG Guidelines, 2015. Collection method: clinical testing. Allele origin: maternal. Inheritance: X-linked recessive inheritance. Observed: 1 hemizygote.
Comment: The missense variant was identified in the hemizygous state in the SMARCA1 gene. This variant leads to p.Gly580Arg. In silico tools predict this variant to be damaging. The conservation at this position is high. The splice prediction at this position is low. This variant has not been seen previously in our laboratory. The variant is absent from ClinVar, and absent from HGMD. This variant is absent in gnomAD (MAF 0). This variant is not present in the homozygous state in gnomAD. This variant is not present in the hemizygous state in gnomAD. According to the ACMG guidelines, the variant is classified as Uncertain significance. Based on the above information, the variant is predicted to be VUS for this patient.